The following is an entry in ClinVar:

ClinVar aggregate classification (germline): Uncertain significance (1 of 4 stars; one submission).

Conditions:
Mucolipidosis type IV (ML4). Also called: ML IV. Identifiers: Orphanet 578, MedGen C0238286, MONDO:0009653, OMIM 252650.

Allele frequency attached by ClinVar (database versions not stated): gnomAD 0.00001; gnomAD exomes 0.00001; TOPMed 0.00001.
gnomAD v4.1: 14 of 1,613,942 alleles (0.00087%); highest among the groups gnomAD compares: Non-Finnish European, 0.0011%; no homozygotes.

Submission:

Labcorp Genetics (formerly Invitae), Labcorp
Classification: Uncertain significance for Mucolipidosis type IV. Last evaluated: 2024-10-15. Review status: criteria provided, single submitter. Criteria: Invitae Variant Classification Sherloc (09022015). Collection method: clinical testing. Allele origin: germline.
Comment: This sequence change replaces arginine, which is basic and polar, with glutamine, which is neutral and polar, at codon 270 of the MCOLN1 protein (p.Arg270Gln). This variant is not present in population databases (gnomAD no frequency). This variant has not been reported in the literature in individuals affected with MCOLN1-related conditions. ClinVar contains an entry for this variant (Variation ID: 2197603). Invitae Evidence Modeling of protein sequence and biophysical properties (such as structural, functional, and spatial information, amino acid conservation, physicochemical variation, residue mobility, and thermodynamic stability) indicates that this missense variant is not expected to disrupt MCOLN1 protein function with a negative predictive value of 95%. In summary, the available evidence is currently insufficient to determine the role of this variant in disease. Therefore, it has been classified as a Variant of Uncertain Significance.

NM_020533.3(MCOLN1):c.809G>A (p.Arg270Gln)

Gene: MCOLN1 (mucolipin TRP cation channel 1; plus strand). Cytogenetic location: 19p13.2.
Variant type: single nucleotide variant.
Coding change: c.809G>A on transcript NM_020533.3 (MANE Select); coding-DNA position 809, G replaced by A.
Protein change: p.Arg270Gln; replaces arginine 270 with glutamine.
Molecular consequence: missense variant.
Genome position (GRCh38, 1-based): chr19:7,528,189, G>A. VCF-style: chr19-7528189-G-A. GRCh37 (hg19) VCF-style: chr19-7593075-G-A.
Other names: short protein forms R270Q.
Identifiers: ClinVar variation 2197603 (VCV002197603.3), dbSNP rs1430002498, ClinGen allele CA403084578.